The following is an entry in ClinVar:

ClinVar aggregate classification (germline): Pathogenic. Review status: criteria provided, multiple submitters, no conflicts (2 of 4 stars). 2 submissions from 2 submitters: Pathogenic (2). Last evaluated 2025-12-10.

Conditions:
Generalized epilepsy with febrile seizures plus, type 2 (GEFSP2). Also called: GEFS+, TYPE 2. Identifiers: Orphanet 36387, MedGen C1858673, MONDO:0011461, OMIM 604403.
Early-infantile DEE. Also called: Early infantile epileptic encephalopathy; Early infantile epileptic encephalopathy with suppression bursts; Ohtahara syndrome. Identifiers: Orphanet 1934, MedGen C0393706, MONDO:0800491.

Submissions (2):

Labcorp Genetics (formerly Invitae), Labcorp
Classification: Pathogenic for Early-infantile DEE. Last evaluated: 2025-12-10. Review status: criteria provided, single submitter. Criteria: Invitae Variant Classification Sherloc (09022015). Collection method: clinical testing. Allele origin: germline.
Comment: This sequence change replaces proline, which is neutral and non-polar, with serine, which is neutral and polar, at codon 281 of the SCN1A protein (p.Pro281Ser). This variant is not present in population databases (gnomAD no frequency). This missense change has been observed in individual(s) with Dravet syndrome and/or SCN1A-related conditions (PMID: 18930999, 35074891; internal data). In at least one individual the variant was observed to be de novo. ClinVar contains an entry for this variant (Variation ID: 976292). Invitae Evidence Modeling of protein sequence and biophysical properties (such as structural, functional, and spatial information, amino acid conservation, physicochemical variation, residue mobility, and thermodynamic stability) has been performed for this missense variant. However, the output from this modeling did not meet the statistical confidence thresholds required to predict the impact of this variant on SCN1A protein function. This variant disrupts the p.Pro281 amino acid residue in SCN1A. Other variant(s) that disrupt this residue have been determined to be pathogenic (PMID: 18930999, 27734276). This suggests that this residue is clinically significant, and that variants that disrupt this residue are likely to be disease-causing. For these reasons, this variant has been classified as Pathogenic.

Institute of Human Genetics, University of Leipzig Medical Center
Classification: Pathogenic for Generalized epilepsy with febrile seizures plus, type 2. Last evaluated: 2024-04-05. Review status: criteria provided, single submitter. Criteria: ACMG Guidelines, 2015. Collection method: clinical testing. Allele origin: de novo. Inheritance: Autosomal dominant inheritance. Affected: yes.
Comment: Criteria applied: PM5_STR,PS4_MOD,PM2,PP2,PP3,PS2_MOD

Literature cited by the submitters: PubMed 18930999 (cited by Labcorp Genetics (formerly Invitae), Labcorp); PubMed 35074891 (cited by Labcorp Genetics (formerly Invitae), Labcorp); PubMed 27734276 (cited by Labcorp Genetics (formerly Invitae), Labcorp).

NM_001165963.4(SCN1A):c.841C>T (p.Pro281Ser)

Gene: SCN1A (sodium voltage-gated channel alpha subunit 1; minus strand). Cytogenetic location: 2q24.3.
Variant type: single nucleotide variant.
Coding change: c.841C>T on transcript NM_001165963.4 (MANE Select); coding-DNA position 841, C replaced by T.
Protein change: p.Pro281Ser; replaces proline 281 with serine.
Molecular consequence: missense variant. On other transcripts: 5 prime UTR variant (1), non-coding transcript variant (1).
Genome position (GRCh38, 1-based): chr2:166,051,842, G>A on the plus strand (C>T on the coding strand, the complement: SCN1A is on the minus strand). VCF-style: chr2-166051842-G-A. GRCh37 (hg19) VCF-style: chr2-166908352-G-A.
Other names: c.841C>T, p.Pro281Ser (NM_001165964.3, NM_001202435.3, NM_001353948.2 and 10 more transcripts); c.-1585C>T (NM_001353961.2); short protein forms P281S.
Identifiers: ClinVar variation 976292 (VCV000976292.9), dbSNP rs1553549660, ClinGen allele CA349073014.